The following is an entry in ClinVar:

NM_052844.4(DYNC2I2):c.1284_1305dup (p.Lys436fs)

Gene: DYNC2I2 (dynein 2 intermediate chain 2; minus strand). Cytogenetic location: 9q34.11.
Variant type: Duplication.
Coding change: c.1284_1305dup on transcript NM_052844.4 (MANE Select); coding-DNA positions 1284 to 1305, 22 bases duplicated (GACTTCGCTGCAGCTCTCCCTC).
Protein change: p.Lys436fs; shifts the reading frame from lysine 436.
Molecular consequence: frameshift variant.
Genome position (GRCh38, 1-based): chr9:128,634,293-128,634,314, GAGGGAGAGCTGCAGCGAAGTC duplicated on the plus strand (GACTTCGCTGCAGCTCTCCCTC on the coding strand, the reverse complement: DYNC2I2 is on the minus strand). VCF-style (leftmost placement, unchanged base first): chr9-128634292-T-TGAGGGAGAGCTGCAGCGAAGTC. GRCh37 (hg19) VCF-style: chr9-131396571-T-TGAGGGAGAGCTGCAGCGAAGTC.
Other names: short protein forms K436fs.
Identifiers: ClinVar variation 3684732 (VCV003684732.2).
Genomic context (GRCh38, chr9:128,634,292, plus strand): 5'-CAGAGGCAGCTGCAAAAACCAAGGGCCGCACTGGGGACCAGCGCACAGCAAACAGATACT[T>TGAGGGAGAGCTGCAGCGAAGTC]GAGGGAGAGCTGCAGCGAAGTCAAGGGAGGGGCCTGCAGCATGGAGTACAGGTGGACATG-3'

ClinVar aggregate classification (germline): Pathogenic (1 of 4 stars; one submission).

Conditions:
Short-rib thoracic dysplasia 11 with or without polydactyly (SRTD11). Also called: SHORT-RIB THORACIC DYSPLASIA 11 WITHOUT POLYDACTYLY. Identifiers: Orphanet 474, Orphanet 93271, MedGen C3810200, MONDO:0014287, OMIM 615633.

Submission:

Labcorp Genetics (formerly Invitae), Labcorp
Classification: Pathogenic for Short-rib thoracic dysplasia 11 with or without polydactyly. Last evaluated: 2024-02-12. Review status: criteria provided, single submitter. Criteria: Invitae Variant Classification Sherloc (09022015). Collection method: clinical testing. Allele origin: germline.
Comment: This sequence change creates a premature translational stop signal (p.Lys436Aspfs*31) in the WDR34 gene. While this is not anticipated to result in nonsense mediated decay, it is expected to disrupt the last 101 amino acid(s) of the WDR34 protein. This variant is not present in population databases (gnomAD no frequency). This variant has not been reported in the literature in individuals affected with WDR34-related conditions. This variant disrupts a region of the WDR34 protein in which other variant(s) (p.Thr514Argfs*11) have been determined to be pathogenic (PMID: 24183451). This suggests that this is a clinically significant region of the protein, and that variants that disrupt it are likely to be disease-causing. For these reasons, this variant has been classified as Pathogenic.

Literature cited by the submitters: PubMed 24183451.